The following is an entry in ClinVar:

ClinVar aggregate classification (germline): Uncertain significance. Review status: criteria provided, multiple submitters, no conflicts (2 of 4 stars). 2 submissions from 2 submitters: Uncertain significance (2). Last evaluated 2023-10-12.

Conditions:
Hereditary cancer-predisposing syndrome. Also called: Neoplastic Syndromes, Hereditary; Tumor predisposition; Hereditary Cancer Syndrome; Hereditary neoplastic syndrome. Identifiers: Orphanet 140162, MedGen C0027672, MeSH D009386, MONDO:0015356.
Familial cancer of breast. Also called: BREAST CANCER, FAMILIAL; Hereditary breast cancer; hereditary breast carcinoma. Identifiers: Orphanet 227535, MedGen C0346153, MONDO:0016419, OMIM 114480. Disease mechanism: loss of function.

Submissions (2):

Ambry Genetics
Classification: Uncertain significance for Hereditary cancer-predisposing syndrome. Last evaluated: 2023-10-12. Review status: criteria provided, single submitter. Criteria: Ambry Variant Classification Scheme 2023. Collection method: clinical testing. Allele origin: germline.
Comment: The p.S435L variant (also known as c.1304C>T), located in coding exon 11 of the CHEK2 gene, results from a C to T substitution at nucleotide position 1304. The serine at codon 435 is replaced by leucine, an amino acid with dissimilar properties. This variant was not reported in population based cohorts in the following databases: Database of Single Nucleotide Polymorphisms (dbSNP), NHLBI Exome Sequencing Project (ESP), and 1000 Genomes Project. In the ESP, this variant was not observed in 6503 samples (13006 alleles) with coverage at this position. To date, this alteration has been detected with an allele frequency of approximately 0.001% (greater than 200000 alleles tested) in our clinical cohort. This amino acid position is not well conserved in available vertebrate species. In addition, the in silico prediction for this alteration is inconclusive. Since supporting evidence is limited at this time, the clinical significance of this alteration remains unclear.

Labcorp Genetics (formerly Invitae), Labcorp
Classification: Uncertain significance for Familial cancer of breast. Last evaluated: 2022-09-14. Review status: criteria provided, single submitter. Criteria: Invitae Variant Classification Sherloc (09022015). Collection method: clinical testing. Allele origin: germline.
Comment: In summary, the available evidence is currently insufficient to determine the role of this variant in disease. Therefore, it has been classified as a Variant of Uncertain Significance. Algorithms developed to predict the effect of missense changes on protein structure and function are either unavailable or do not agree on the potential impact of this missense change (SIFT: "Tolerated"; PolyPhen-2: "Possibly Damaging"; Align-GVGD: "Class C0"). ClinVar contains an entry for this variant (Variation ID: 483376). This variant has not been reported in the literature in individuals affected with CHEK2-related conditions. This variant is not present in population databases (gnomAD no frequency). This sequence change replaces serine, which is neutral and polar, with leucine, which is neutral and non-polar, at codon 435 of the CHEK2 protein (p.Ser435Leu).

NM_007194.4(CHEK2):c.1304C>T (p.Ser435Leu)

Gene: CHEK2 (checkpoint kinase 2; minus strand). Cytogenetic location: 22q12.1.
Variant type: single nucleotide variant.
Coding change: c.1304C>T on transcript NM_007194.4 (MANE Select); coding-DNA position 1304, C replaced by T.
Protein change: p.Ser435Leu; replaces serine 435 with leucine.
Molecular consequence: missense variant.
Genome position (GRCh38, 1-based): chr22:28,695,198, G>A on the plus strand (C>T on the coding strand, the complement: CHEK2 is on the minus strand). VCF-style: chr22-28695198-G-A. GRCh37 (hg19) VCF-style: chr22-29091186-G-A.
Other names: c.1433C>T, p.Ser478Leu (NM_001005735.3); c.641C>T, p.Ser214Leu (NM_001257387.3); c.1103C>T, p.Ser368Leu (NM_001349956.3); c.1217C>T, p.Ser406Leu (NM_145862.3); short protein forms S435L, S368L, S406L, S478L, S214L.
Identifiers: ClinVar variation 483376 (VCV000483376.10), dbSNP rs1555913484, ClinGen allele CA411096053.